The following is an entry in ClinVar:

ClinVar aggregate classification (germline): Uncertain significance (1 of 4 stars; one submission).

Conditions:
MHC class II deficiency. Also called: Bare lymphocyte syndrome 2; BLS, TYPE II. Identifiers: Orphanet 572, MedGen C5447452, MONDO:0008855.

Submission:

Labcorp Genetics (formerly Invitae), Labcorp
Classification: Uncertain significance for MHC class II deficiency. Last evaluated: 2022-04-12. Review status: criteria provided, single submitter. Criteria: Invitae Variant Classification Sherloc (09022015). Collection method: clinical testing. Allele origin: germline.
Comment: This sequence change replaces glycine, which is neutral and non-polar, with valine, which is neutral and non-polar, at codon 949 of the CIITA protein (p.Gly949Val). In summary, the available evidence is currently insufficient to determine the role of this variant in disease. Therefore, it has been classified as a Variant of Uncertain Significance. Algorithms developed to predict the effect of missense changes on protein structure and function (SIFT, PolyPhen-2, Align-GVGD) all suggest that this variant is likely to be tolerated. This variant has not been reported in the literature in individuals affected with CIITA-related conditions. This variant is not present in population databases (gnomAD no frequency).

NM_000246.4(CIITA):c.2846G>T (p.Gly949Val)

Gene: CIITA (class II major histocompatibility complex transactivator; plus strand). Cytogenetic location: 16p13.13.
Variant type: single nucleotide variant.
Coding change: c.2846G>T on transcript NM_000246.4 (MANE Select); coding-DNA position 2846, G replaced by T.
Protein change: p.Gly949Val; replaces glycine 949 with valine.
Molecular consequence: missense variant. On other transcripts: non-coding transcript variant (1).
Genome position (GRCh38, 1-based): chr16:10,910,217, G>T. VCF-style: chr16-10910217-G-T. GRCh37 (hg19) VCF-style: chr16-11004074-G-T.
Other names: c.2849G>T, p.Gly950Val (NM_001286402.1, NM_001379332.1); c.1094G>T, p.Gly365Val (NM_001286403.2); c.2702G>T, p.Gly901Val (NM_001379330.1); c.2699G>T, p.Gly900Val (NM_001379331.1); c.2846G>T, p.Gly949Val (NM_001379333.1); c.2777G>T, p.Gly926Val (NM_001379334.1); short protein forms G900V, G926V, G949V, G365V, G901V, G950V.
Identifiers: ClinVar variation 2125173 (VCV002125173.4), dbSNP rs2544530774, ClinGen allele CA394735566.